The following is an entry in ClinVar:

ClinVar aggregate classification (germline): Uncertain significance (1 of 4 stars; one submission).

Conditions:
GNAS-related disorder. Identifiers: MedGen CN380105.

gnomAD v4.1: 18 of 1,573,398 alleles (0.0011%); highest among the groups gnomAD compares: South Asian, 0.017%; no homozygotes.

Submission:

PreventionGenetics, part of Exact Sciences
Classification: Uncertain significance for GNAS-related condition. Last evaluated: 2025-04-10. Review status: criteria provided, single submitter. Criteria: ACMG Guidelines, 2015. Collection method: clinical testing. Allele origin: germline.
Comment: The GNAS c.1102G>A variant is predicted to result in the amino acid substitution p.Ala368Thr. To our knowledge, this variant has not been reported in the literature. On the primary transcript (NM_000516) this variant is c.-37360G>A (Pre-Coding). To our knowledge, only large deletions in the above region are conclusively pathogenic for pseudohypoparathyroidism type-Ib (PHP-Ib) due to methylation defects (Turan and Bastepe. 2015. PubMed ID: 25851935). Although, in some studies single nucleotide variants (SNVs) within this region have been reported in related diseases, the pathogenicity of these variants is still uncertain (see for example in Table 3 of Long et al. 2018. PubMed ID: 30022773). This variant is reported in 0.016% of alleles in individuals of South Asian descent in gnomAD. At this time, the clinical significance of this variant is uncertain due to the absence of conclusive functional and genetic evidence.

NM_080425.4(GNAS):c.1102G>A (p.Ala368Thr)

Gene: GNAS (GNAS complex locus; plus strand). Cytogenetic location: 20q13.32.
Variant type: single nucleotide variant.
Coding change: c.1102G>A on transcript NM_080425.4 (MANE Plus Clinical); coding-DNA position 1102, G replaced by A.
Protein change: p.Ala368Thr; replaces alanine 368 with threonine.
Molecular consequence: missense variant. On other transcripts: synonymous variant (2), intron variant (3).
Genome position (GRCh38, 1-based): chr20:58,854,367, G>A. VCF-style: chr20-58854367-G-A. GRCh37 (hg19) VCF-style: chr20-57429422-G-A.
Other names: c.915G>A, p.Pro305= (NM_001077490.3, NM_001309883.1); c.1102G>A, p.Ala368Thr (NM_001410913.1); c.*42+13481G>A (NM_016592.5); c.43+13481G>A (NM_001410912.1); c.-39+12492G>A (NM_001309861.2); short protein forms A368T.
Identifiers: ClinVar variation 4986124 (VCV004986124.1).